The following is an entry in ClinVar:

NM_001378452.1(ITPR1):c.1151+5C>G

Gene: ITPR1 (inositol 1,4,5-trisphosphate receptor type 1; plus strand). Cytogenetic location: 3p26.1.
Variant type: single nucleotide variant.
Coding change: c.1151+5C>G on transcript NM_001378452.1 (MANE Select); 5 bases into the intron after coding-DNA position 1151, C replaced by G.
Molecular consequence: intron variant.
Genome position (GRCh38, 1-based): chr3:4,658,283, C>G. VCF-style: chr3-4658283-C-G. GRCh37 (hg19) VCF-style: chr3-4699967-C-G.
Other names: c.1151+5C>G (NM_001099952.4); c.1106+5C>G (NM_001168272.2, NM_002222.7, NM_002222.6).
Identifiers: ClinVar variation 345607 (VCV000345607.15), dbSNP rs2306868, ClinGen allele CA2231103.

ClinVar aggregate classification (germline): Benign. Review status: criteria provided, multiple submitters, no conflicts (2 of 4 stars). 5 submissions from 5 submitters: Benign (5). Last evaluated 2026-02-03.

Conditions:
Autosomal dominant cerebellar ataxia. Also called: Spinocerebellar Ataxia, Dominant. Identifiers: Orphanet 99, MedGen C4087347, MONDO:0020380.

Allele frequency attached by ClinVar (database versions not stated): gnomAD exomes 0.05981; ExAC 0.06025; ESP Exome Variant Server 0.11459; gnomAD 0.12489 and 0.13045; TOPMed 0.14215; 1000 Genomes Project 0.15395; 1000 Genomes Project 30x 0.15771.
gnomAD v4.1: 62,566 of 1,600,016 alleles (3.9%); highest among the groups gnomAD compares: African/African-American, 36%; 6,082 homozygotes.

Submissions (5):

Labcorp Genetics (formerly Invitae), Labcorp
Classification: Benign. Last evaluated: 2026-02-03. Review status: criteria provided, single submitter. Criteria: Invitae Variant Classification Sherloc (09022015). Collection method: clinical testing. Allele origin: germline.

Mayo Clinic Laboratories, Mayo Clinic
Classification: Benign. Last evaluated: 2022-03-24. Review status: criteria provided, single submitter. Criteria: ACMG Guidelines, 2015. Collection method: clinical testing. Allele origin: germline. Observed: 45 variant alleles.

GeneDx
Classification: Benign. Last evaluated: 2018-07-03. Review status: criteria provided, single submitter. Criteria: GeneDx Variant Classification Process June 2021. Collection method: clinical testing. Allele origin: germline. Affected: yes.

Illumina Laboratory Services, Illumina
Classification: Benign for Spinocerebellar Ataxia, Dominant. Last evaluated: 2018-01-13. Review status: criteria provided, single submitter. Criteria: ICSL Variant Classification Criteria 13 December 2019. Collection method: clinical testing. Allele origin: germline.
Comment: This variant was observed in the ICSL laboratory as part of a predisposition screen in an ostensibly healthy population. It had not been previously curated by ICSL or reported in the Human Gene Mutation Database (HGMD: prior to June 1st, 2018), and was therefore a candidate for classification through an automated scoring system. Utilizing variant allele frequency, disease prevalence and penetrance estimates, and inheritance mode, an automated score was calculated to assess if this variant is too frequent to cause the disease. Based on the score and internal cut-off values, a variant classified as benign is not then subjected to further curation. The score for this variant resulted in a classification of benign for this disease.

Breakthrough Genomics
Classification: Benign. Review status: criteria provided, single submitter. Criteria: ACMG Guidelines, 2015. Collection method: not provided. Allele origin: germline. Inheritance: Autosomal dominant inheritance. Affected: yes.